The following is an entry in ClinVar:

NM_152419.3(HGSNAT):c.667G>C (p.Asp223His)

Gene: HGSNAT (heparan-alpha-glucosaminide N-acetyltransferase; plus strand). Cytogenetic location: 8p11.21.
Variant type: single nucleotide variant.
Coding change: c.667G>C on transcript NM_152419.3 (MANE Select); coding-DNA position 667, G replaced by C.
Protein change: p.Asp223His; replaces aspartic acid 223 with histidine.
Molecular consequence: missense variant. On other transcripts: 5 prime UTR variant (1).
Genome position (GRCh38, 1-based): chr8:43,170,618, G>C. VCF-style: chr8-43170618-G-C. GRCh37 (hg19) VCF-style: chr8-43025761-G-C.
Other names: c.667G>C, p.Asp223His (NM_001363227.2, NM_001363228.2); c.-167G>C (NM_001363229.2); short protein forms D223H.
Identifiers: ClinVar variation 1020961 (VCV001020961.2), dbSNP rs1025285008, ClinGen allele CA176064761.

ClinVar aggregate classification (germline): Uncertain significance (1 of 4 stars; one submission).

Conditions:
Mucopolysaccharidosis, MPS-III-C (MPS3C). Also called: MPS IIIC (Sanfilippo Syndrome Type C); MUCOPOLYSACCHARIDOSIS, TYPE IIIC; Mucopolysaccharidosis type IIIC (Sanfilippo C); mucopolysaccharidosis type 3C; SANFILIPPO SYNDROME C; MPS III C. Identifiers: Orphanet 581, Orphanet 79271, MedGen C0086649, MONDO:0009657, OMIM 252930.
Retinitis pigmentosa 73 (RP73). Identifiers: Orphanet 791, MedGen C4225287, MONDO:0014687, OMIM 616544.

Allele frequency attached by ClinVar (database versions not stated): TOPMed 0.00001.

Submission:

Labcorp Genetics (formerly Invitae), Labcorp
Classification: Uncertain significance for Retinitis pigmentosa 73; Mucopolysaccharidosis, MPS-III-C. Last evaluated: 2021-08-30. Review status: criteria provided, single submitter. Criteria: Invitae Variant Classification Sherloc (09022015). Collection method: clinical testing. Allele origin: germline.
Comment: This sequence change replaces aspartic acid with histidine at codon 223 of the HGSNAT protein (p.Asp223His). The aspartic acid residue is weakly conserved and there is a moderate physicochemical difference between aspartic acid and histidine. This variant is not present in population databases (ExAC no frequency). This variant has not been reported in the literature in individuals affected with HGSNAT-related conditions. Algorithms developed to predict the effect of missense changes on protein structure and function (SIFT, PolyPhen-2, Align-GVGD) all suggest that this variant is likely to be tolerated. In summary, the available evidence is currently insufficient to determine the role of this variant in disease. Therefore, it has been classified as a Variant of Uncertain Significance.